The following is an entry in ClinVar:

ClinVar aggregate classification (germline): Uncertain significance. Review status: criteria provided, multiple submitters, no conflicts (2 of 4 stars). 3 submissions from 3 submitters: Uncertain significance (3). Last evaluated 2025-12-31.

Conditions:
Cardiovascular phenotype. Identifiers: MedGen CN230736.
Dilated cardiomyopathy 1J (CMD1J). Also called: CARDIOMYOPATHY, DILATED, WITH SENSORINEURAL HEARING LOSS, AUTOSOMAL DOMINANT. Identifiers: Orphanet 217622, MedGen C1854368, MONDO:0011541, OMIM 605362.

Allele frequency attached by ClinVar (database versions not stated): gnomAD exomes below 0.00001; TOPMed below 0.00001; gnomAD 0.00001.
gnomAD v4.1: 18 of 1,612,958 alleles (0.0011%); highest among the groups gnomAD compares: Middle Eastern, 0.016%; no homozygotes.

Submissions (3):

Labcorp Genetics (formerly Invitae), Labcorp
Classification: Uncertain significance for Dilated cardiomyopathy 1J. Last evaluated: 2025-12-31. Review status: criteria provided, single submitter. Criteria: Invitae Variant Classification Sherloc (09022015). Collection method: clinical testing. Allele origin: germline.
Comment: This sequence change replaces threonine, which is neutral and polar, with alanine, which is neutral and non-polar, at codon 307 of the EYA4 protein (p.Thr307Ala). This variant is present in population databases (no rsID available, gnomAD no frequency). This variant has not been reported in the literature in individuals affected with EYA4-related conditions. ClinVar contains an entry for this variant (Variation ID: 1428813). An algorithm developed to predict the effect of missense changes on protein structure and function outputs the following: PolyPhen-2: "Benign". The alanine amino acid residue is found in multiple mammalian species, which suggests that this missense change does not adversely affect protein function. In summary, the available evidence is currently insufficient to determine the role of this variant in disease. Therefore, it has been classified as a Variant of Uncertain Significance.

Ambry Genetics
Classification: Uncertain significance for Cardiovascular phenotype. Last evaluated: 2025-06-28. Review status: criteria provided, single submitter. Criteria: Ambry Variant Classification Scheme 2023. Collection method: clinical testing. Allele origin: germline.
Comment: The p.T307A variant (also known as c.919A>G), located in coding exon 10 of the EYA4 gene, results from an A to G substitution at nucleotide position 919. The threonine at codon 307 is replaced by alanine, an amino acid with similar properties. This amino acid position is conserved. In addition, this alteration is predicted to be tolerated by in silico analysis. Based on the available evidence, the clinical significance of this variant remains unclear.

GeneDx
Classification: Uncertain significance. Last evaluated: 2023-01-16. Review status: criteria provided, single submitter. Criteria: GeneDx Variant Classification Process June 2021. Collection method: clinical testing. Allele origin: germline. Affected: yes.
Comment: Not observed at significant frequency in large population cohorts (gnomAD); In silico analysis supports that this missense variant does not alter protein structure/function; Has not been previously published as pathogenic or benign to our knowledge

NM_004100.5(EYA4):c.919A>G (p.Thr307Ala)

Gene: EYA4 (EYA transcriptional coactivator and phosphatase 4; plus strand). Cytogenetic location: 6q23.2.
Variant type: single nucleotide variant.
Coding change: c.919A>G on transcript NM_004100.5 (MANE Select); coding-DNA position 919, A replaced by G.
Protein change: p.Thr307Ala; replaces threonine 307 with alanine.
Molecular consequence: missense variant.
Genome position (GRCh38, 1-based): chr6:133,468,680, A>G. VCF-style: chr6-133468680-A-G. GRCh37 (hg19) VCF-style: chr6-133789818-A-G.
Other names: c.757A>G, p.Thr253Ala (NM_001301012.2, NM_001370459.1); c.919A>G, p.Thr307Ala (NM_001301013.2, NM_172105.4); c.850A>G, p.Thr284Ala (NM_001370458.1, NM_172103.4); c.919A>G (NM_004100.4); short protein forms T284A, T307A, T253A.
Identifiers: ClinVar variation 1428813 (VCV001428813.10), dbSNP rs1289099998, ClinGen allele CA365703763.
Genomic context (GRCh38, chr6:133,468,680, plus strand): 5'-GCATCAACGTATGGAGCGTATATGACATCGAATAACACAGCCGATGGCACACCCTCTTCA[A>G]CCTCTACTTATCAGTTGCAGGAATCTCTCCCAGGACTGACTAACCAACCAGGTACAGATC-3'
Protein context (NP_004091.3, residues 297-317): NNTADGTPSS[Thr307Ala]STYQLQESLP